The following is an entry in ClinVar:

NM_139343.3(BIN1):c.1573-63C>T

Gene: BIN1 (bridging integrator 1; minus strand). Cytogenetic location: 2q14.3.
Variant type: single nucleotide variant.
Coding change: c.1573-63C>T on transcript NM_139343.3 (MANE Select); 63 bases into the intron before coding-DNA position 1573, C replaced by T.
Molecular consequence: intron variant.
Genome position (GRCh38, 1-based): chr2:127,050,585, G>A on the plus strand (C>T on the coding strand, the complement: BIN1 is on the minus strand). VCF-style: chr2-127050585-G-A. GRCh37 (hg19) VCF-style: chr2-127808161-G-A.
Other names: c.1492-63C>T (NM_001320642.1); c.949-63C>T (NM_001320634.1); c.1021-63C>T (NM_139351.3); c.1111-63C>T (NM_139350.3); c.1219-63C>T (NM_139349.3); c.1240-63C>T (NM_139348.3); c.1348-63C>T (NM_139347.3); c.1480-63C>T (NM_001320641.2); and 7 more.
Identifiers: ClinVar variation 678146 (VCV000678146.5), dbSNP rs7558000, ClinGen allele CA11125913.
Genomic context (GRCh38, chr2:127,050,585, plus strand): 5'-GCAGAGGATGCGGATCGCAAGTCAGACCTTCCGTCCCACCTCCAGCCCTGCACAGAGCAC[G>A]GGCCTTGCGTGTGGGAGGTGCAGGTGGCAGTATGGAGACCAGGAGTGCTCAAAAGCAGCA-3'

ClinVar aggregate classification (germline): Benign. Review status: criteria provided, multiple submitters, no conflicts (2 of 4 stars). 3 submissions from 3 submitters: Benign (3). Last evaluated 2021-07-14.

Conditions:
Myopathy, centronuclear, 2 (CNM2). Also called: MYOTUBULAR MYOPATHY, AUTOSOMAL RECESSIVE. Identifiers: Orphanet 169186, MedGen CN031787, MONDO:0009709, OMIM 255200.

Allele frequency attached by ClinVar (database versions not stated): 1000 Genomes Project 0.22764; 1000 Genomes Project 30x 0.22908; TOPMed 0.23438.
gnomAD v4.1: 313,336 of 1,573,834 alleles (20%); highest among the groups gnomAD compares: African/African-American, 38%; 33,004 homozygotes.

Submissions (3):

Genome-Nilou Lab
Classification: Benign for Myopathy, centronuclear, 2. Last evaluated: 2021-07-14. Review status: criteria provided, single submitter. Criteria: ACMG Guidelines, 2015. Collection method: clinical testing. Allele origin: germline. Affected: no.

GeneDx
Classification: Benign. Last evaluated: 2018-06-14. Review status: criteria provided, single submitter. Criteria: GeneDx Variant Classification (06012015). Collection method: clinical testing. Allele origin: germline. Affected: yes.
Comment: This variant is considered likely benign or benign based on one or more of the following criteria: it is a conservative change, it occurs at a poorly conserved position in the protein, it is predicted to be benign by multiple in silico algorithms, and/or has population frequency not consistent with disease.

Breakthrough Genomics
Classification: Benign. Review status: criteria provided, single submitter. Criteria: ACMG Guidelines, 2015. Collection method: not provided. Allele origin: germline. Inheritance: Autosomal recessive inheritance. Affected: yes.